The following is an entry in ClinVar:

NM_021012.5(KCNJ12):c.384C>T (p.His128=)

Gene: KCNJ12 (potassium inwardly rectifying channel subfamily J member 12; plus strand). Cytogenetic location: 17p11.2.
Variant type: single nucleotide variant.
Coding change: c.384C>T on transcript NM_021012.5 (MANE Select); coding-DNA position 384, C replaced by T.
Protein change: p.His128=; no amino-acid change (histidine 128 retained).
Molecular consequence: synonymous variant.
Genome position (GRCh38, 1-based): chr17:21,415,726, C>T. VCF-style: chr17-21415726-C-T. GRCh37 (hg19) VCF-style: chr17-21319038-C-T.
Identifiers: ClinVar variation 3056839 (VCV003056839.2), dbSNP rs781915873, ClinGen allele CA8451102.

ClinVar aggregate classification (germline): Likely benign (0 of 4 stars; one submission).

Conditions:
KCNJ12-related disorder. Also called: KCNJ12-related condition.

Allele frequency attached by ClinVar (database versions not stated): ExAC 0.00005; gnomAD exomes 0.00005; gnomAD 0.00007.
gnomAD v4.1: 79 of 1,612,946 alleles (0.0049%); highest among the groups gnomAD compares: Admixed American, 0.065%; no homozygotes.

Submission:

PreventionGenetics, part of Exact Sciences
Classification: Likely benign for KCNJ12-related condition. Last evaluated: 2019-05-01. Review status: no assertion criteria provided. Collection method: clinical testing. Allele origin: germline.
Comment: This variant is classified as likely benign based on ACMG/AMP sequence variant interpretation guidelines (Richards et al. 2015 PMID: 25741868, with internal and published modifications).